The following is an entry in ClinVar:

NM_005378.6(MYCN):c.340G>A (p.Asp114Asn)

Genes: MYCN (MYCN proto-oncogene, bHLH transcription factor; plus strand), MYCNOS (MYCN opposite strand; minus strand). Cytogenetic location: 2p24.3.
Variant type: single nucleotide variant.
Coding change: c.340G>A on transcript NM_005378.6 (MANE Select); coding-DNA position 340, G replaced by A.
Protein change: p.Asp114Asn; replaces aspartic acid 114 with asparagine.
Molecular consequence: missense variant. On other transcripts: non-coding transcript variant (1), 3 prime UTR variant (1), intron variant (1).
Genome position (GRCh38, 1-based): chr2:15,942,404, G>A. VCF-style: chr2-15942404-G-A. GRCh37 (hg19) VCF-style: chr2-16082526-G-A.
Other names: c.340G>A, p.Asp114Asn (NM_001293228.2); c.*275G>A (NM_001293233.2); c.157+1661G>A (NM_001293231.2); short protein forms D114N.
Identifiers: ClinVar variation 5020152 (VCV005020152.1).

ClinVar aggregate classification (germline): Uncertain significance (1 of 4 stars; one submission).

Submission:

Dasa
Classification: Uncertain significance. Last evaluated: 2026-07-23. Review status: criteria provided, single submitter. Criteria: DASA Assertion Criteria. Collection method: clinical testing. Allele origin: germline.
Comment: NM_005378.6(MYCN):c.340G>A (p.Asp114Asn) is a missense variant that results in the substitution of aspartic acid with asparagine. This variant is absent from population databases. The currently available literature and clinical evidence are not sufficient to establish a definitive association between this variant and the reported condition. Therefore, this variant is classified as a variant of uncertain significance.